The following is an entry in ClinVar:

NM_001126328.3(LNX1):c.381-27505G>A

Gene: LNX1 (ligand of numb-protein X 1; minus strand). Cytogenetic location: 4q12.
Variant type: single nucleotide variant.
Coding change: c.381-27505G>A on transcript NM_001126328.3 (MANE Select); 27505 bases into the intron before coding-DNA position 381, G replaced by A.
Molecular consequence: intron variant.
Genome position (GRCh38, 1-based): chr4:53,535,732, C>T on the plus strand (G>A on the coding strand, the complement: LNX1 is on the minus strand). VCF-style: chr4-53535732-C-T. GRCh37 (hg19) VCF-style: chr4-54401899-C-T.
Other names: c.92+22142G>A (NM_032622.3).
Identifiers: ClinVar variation 619293 (VCV000619293.3), dbSNP rs1435218, ClinGen allele CA11875512.

ClinVar aggregate classification (germline): association not found (1 of 4 stars; one submission).

Conditions:
Lip and oral cavity carcinoma. Identifiers: MedGen C0220641, MONDO:0023644.

Allele frequency attached by ClinVar (database versions not stated): 1000 Genomes Project 30x 0.08588; 1000 Genomes Project 0.08766; TOPMed 0.08833; gnomAD 0.08899 and 0.08935.
gnomAD v4.1: 13,524 of 152,236 alleles (8.9%); highest among the groups gnomAD compares: Non-Finnish European, 10%; 583 homozygotes.

Submission:

Department of Biological Science, Sunandan Divatia School of Science, NMIMS University
Classification: association not found for Lip and oral cavity carcinoma. Last evaluated: 2015-11-02. Review status: criteria provided, single submitter. Criteria: Submitter's publication. Collection method: case-control. Allele origin: not applicable.
Comment: No significant association was observed between SNP rs1435218 with oral cancer.